The following is an entry in ClinVar:

ClinVar aggregate classification (germline): Uncertain significance (1 of 4 stars; one submission).

Conditions:
Abnormality of the dentition. Also called: Dental anomalies. Identifiers: MedGen C0262444, HP:0000164.

Allele frequency attached by ClinVar (database versions not stated): 1000 Genomes Project 30x 0.00047; 1000 Genomes Project 0.00060; TOPMed 0.00001; gnomAD 0.00002.
gnomAD v4.1: 7 of 1,551,830 alleles (0.00045%); highest among the groups gnomAD compares: East Asian, 0.0073%; no homozygotes.

Submission:

SIB Swiss Institute of Bioinformatics
Classification: Uncertain significance for Abnormality of the dentition. Last evaluated: 2022-06-08. Review status: criteria provided, single submitter. Criteria: ACMG Guidelines, 2015. Collection method: curation. Allele origin: unknown.
Comment: This variant is interpreted as a variants of uncertain significance for tooth agenesis. The following ACMG Tag(s) were applied: Absent from controls (or at extremely low frequency if recessive) in Exome Sequencing Project, 1000 Genomes Project, or Exome Aggregation Consortium (PM2); Multiple lines of computational evidence support a deleterious effect on the gene or gene product (PP3).

Literature cited by the submitters: PubMed 35537890.

NM_025216.3(WNT10A):c.877C>T (p.Arg293Cys)

Gene: WNT10A (Wnt family member 10A; plus strand). Cytogenetic location: 2q35.
Variant type: single nucleotide variant.
Coding change: c.877C>T on transcript NM_025216.3 (MANE Select); coding-DNA position 877, C replaced by T.
Protein change: p.Arg293Cys; replaces arginine 293 with cysteine.
Molecular consequence: missense variant.
Genome position (GRCh38, 1-based): chr2:218,892,894, C>T. VCF-style: chr2-218892894-C-T. GRCh37 (hg19) VCF-style: chr2-219757616-C-T.
Other names: short protein forms R293C.
Identifiers: ClinVar variation 1691420 (VCV001691420.2), dbSNP rs563548971, ClinGen allele CA2114060.